The following is an entry in ClinVar:

ClinVar aggregate classification (germline): Uncertain significance (1 of 4 stars; one submission).

Conditions:
Peroxisome biogenesis disorder. Identifiers: Orphanet 79189, MedGen C1832200, MONDO:0019234. Disease mechanism: loss of function.

Allele frequency attached by ClinVar (database versions not stated): gnomAD exomes below 0.00001; TOPMed below 0.00001; gnomAD 0.00001.

Submission:

Labcorp Genetics (formerly Invitae), Labcorp
Classification: Uncertain significance for Peroxisome biogenesis disorder. Last evaluated: 2022-12-29. Review status: criteria provided, single submitter. Criteria: Invitae Variant Classification Sherloc (09022015). Collection method: clinical testing. Allele origin: germline.
Comment: This variant is present in population databases (no rsID available, gnomAD 0.007%). This sequence change replaces leucine, which is neutral and non-polar, with proline, which is neutral and non-polar, at codon 735 of the PEX6 protein (p.Leu735Pro). This variant has not been reported in the literature in individuals affected with PEX6-related conditions. ClinVar contains an entry for this variant (Variation ID: 1478375). Algorithms developed to predict the effect of missense changes on protein structure and function (SIFT, PolyPhen-2, Align-GVGD) all suggest that this variant is likely to be disruptive. In summary, the available evidence is currently insufficient to determine the role of this variant in disease. Therefore, it has been classified as a Variant of Uncertain Significance.

NM_000287.4(PEX6):c.2204T>C (p.Leu735Pro)

Gene: PEX6 (peroxisomal biogenesis factor 6; minus strand). Cytogenetic location: 6p21.1.
Variant type: single nucleotide variant.
Coding change: c.2204T>C on transcript NM_000287.4 (MANE Select); coding-DNA position 2204, T replaced by C.
Protein change: p.Leu735Pro; replaces leucine 735 with proline.
Molecular consequence: missense variant.
Genome position (GRCh38, 1-based): chr6:42,966,338, A>G on the plus strand (T>C on the coding strand, the complement: PEX6 is on the minus strand). VCF-style: chr6-42966338-A-G. GRCh37 (hg19) VCF-style: chr6-42934076-A-G.
Other names: c.1940T>C, p.Leu647Pro (NM_001316313.2); short protein forms L647P, L735P.
Identifiers: ClinVar variation 1478375 (VCV001478375.6), dbSNP rs920798728, ClinGen allele CA138223102.